The following is an entry in ClinVar:

ClinVar aggregate classification (germline): Conflicting classifications of pathogenicity. Review status: criteria provided, conflicting classifications (1 of 4 stars). 3 submissions from 3 submitters: Uncertain significance (1); Likely benign (2). Last evaluated 2025-03-31.

Conditions:
PKD1L1-related disorder. Also called: PKD1L1-related condition.

gnomAD v4.1: 165 of 1,614,102 alleles (0.01%); highest among the groups gnomAD compares: East Asian, 0.37%; no homozygotes.

Submissions (3):

PreventionGenetics, part of Exact Sciences
Classification: Likely benign for PKD1L1-related condition. Last evaluated: 2025-03-31. Review status: criteria provided, single submitter. Criteria: ACMG Guidelines, 2015. Collection method: clinical testing. Allele origin: germline.
Comment: This variant is classified as likely benign based on ACMG/AMP sequence variant interpretation guidelines (Richards et al. 2015 PMID: 25741868, with internal and published modifications).

Labcorp Genetics (formerly Invitae), Labcorp
Classification: Likely benign. Last evaluated: 2024-09-01. Review status: criteria provided, single submitter. Criteria: Invitae Variant Classification Sherloc (09022015). Collection method: clinical testing. Allele origin: germline.

Blueprint Genetics
Classification: Uncertain significance. Last evaluated: 2023-02-24. Review status: criteria provided, single submitter. Criteria: ACMG Guidelines, 2015. Collection method: clinical testing. Allele origin: germline.

NM_138295.5(PKD1L1):c.3847G>T (p.Val1283Leu)

Gene: PKD1L1 (polycystin 1 like 1, transient receptor potential channel interacting; minus strand). Cytogenetic location: 7p12.3.
Variant type: single nucleotide variant.
Coding change: c.3847G>T on transcript NM_138295.5 (MANE Select); coding-DNA position 3847, G replaced by T.
Protein change: p.Val1283Leu; replaces valine 1283 with leucine.
Molecular consequence: missense variant.
Genome position (GRCh38, 1-based): chr7:47,873,948, C>A on the plus strand (G>T on the coding strand, the complement: PKD1L1 is on the minus strand). VCF-style: chr7-47873948-C-A. GRCh37 (hg19) VCF-style: chr7-47913546-C-A.
Other names: c.3847G>T (NM_138295.3); short protein forms V1283L.
Identifiers: ClinVar variation 3634629 (VCV003634629.4).